The following is an entry in ClinVar:

NM_001394372.1(BICRA):c.918_919del (p.Phe307fs)

Gene: BICRA (BRD4 interacting chromatin remodeling complex associated protein; plus strand). Cytogenetic location: 19q13.33.
Variant type: Microsatellite.
Coding change: c.918_919del on transcript NM_001394372.1 (MANE Select); coding-DNA positions 918 to 919, 2 bases deleted (GT; older notation c.918_919delGT).
Protein change: p.Phe307fs; shifts the reading frame from phenylalanine 307.
Molecular consequence: frameshift variant.
Genome position (GRCh38, 1-based): chr19:47,680,088-47,680,089, GT deleted; deleting any 2 consecutive bases within chr19:47,680,085-47,680,089 gives the same sequence; the c. name uses the placement nearest the transcript's 3' end. VCF-style (leftmost placement, unchanged base first): chr19-47680084-CTG-C. GRCh37 (hg19) VCF-style: chr19-48183341-CTG-C.
Other names: c.918_919del, p.Phe307fs (NM_015711.3); short protein forms F307fs.
Identifiers: ClinVar variation 4875302 (VCV004875302.2).

ClinVar aggregate classification (germline): Pathogenic (1 of 4 stars; one submission).

Submission:

CeGaT Center for Human Genetics Tuebingen
Classification: Pathogenic. Last evaluated: 2026-06-01. Review status: criteria provided, single submitter. Criteria: CeGaT Center For Human Genetics Tuebingen Variant Classification Criteria Version 2. Collection method: clinical testing. Allele origin: germline. Affected: yes. Observed: 1 variant allele.
Comment: BICRA: PVS1, PM2